The following is an entry in ClinVar:

NM_000059.4(BRCA2):c.476-9del

Gene: BRCA2 (BRCA2 DNA repair associated; plus strand). Cytogenetic location: 13q13.1.
Variant type: Deletion.
Coding change: c.476-9del on transcript NM_000059.4 (MANE Select); 9 bases into the intron before coding-DNA position 476, one base deleted (T; older notation c.476-9delT).
Molecular consequence: intron variant.
Genome position (GRCh38, 1-based): chr13:32,326,233, T deleted; the last of 7 consecutive T bases (chr13:32,326,227-32,326,233); deleting any one gives the same sequence. VCF-style (leftmost placement, unchanged base first): chr13-32326226-CT-C. GRCh37 (hg19) VCF-style: chr13-32900363-CT-C.
Other names: IVS5-9delT; c.476-9delT (NM_000059.3, NM_000059.4).
Identifiers: ClinVar variation 51712 (VCV000051712.11), dbSNP rs276174849, ClinGen allele CA020816.

ClinVar aggregate classification (germline): Benign. Review status: criteria provided, single submitter (1 of 4 stars). 2 submissions from 2 submitters: Benign (1). 1 of the submissions does not count toward it. Last evaluated 2019-02-07.
ClinVar aggregate classification (somatic clinical impact): Tier IV - Benign/Likely benign. Review status: no assertion criteria provided (0 of 4 stars). 4 submissions from 1 submitter.

Conditions:
Hereditary breast ovarian cancer syndrome. Also called: Hereditary breast and ovarian cancer syndrome; Hereditary breast and ovarian cancer syndrome (HBOC); Hereditary breast and ovarian cancer; Hereditary breast and/or ovarian cancer syndrome; Breast and ovarian cancer; BRCA1- and BRCA2-Associated Hereditary Breast and Ovarian Cancer. Identifiers: Orphanet 145, MedGen C0677776, MeSH D061325, MONDO:0003582. Disease mechanism: loss of function.
Breast-ovarian cancer, familial, susceptibility to, 2 (BROVCA2). Also called: BRCA2 Hereditary Breast and Ovarian Cancer. Identifiers: Orphanet 145, MedGen C2675520, MONDO:0012933, OMIM 612555. Disease mechanism: loss of function.
Lung cancer. Also called: Lung cancer, somatic; Malignant tumor of lung. Identifiers: MedGen C0242379, MONDO:0008903, OMIM 211980.
Spindle cell sarcoma. Identifiers: MedGen C0205945, MeSH D012509, MONDO:0002927.
Malignant tumor of urinary bladder. Also called: Urinary Bladder Neoplasms; Bladder cancer; Urinary bladder cancer. Identifiers: MedGen C0005684, MONDO:0001187, OMIM 109800.
Familial cancer of breast. Also called: Hereditary breast cancer; BREAST CANCER, FAMILIAL; hereditary breast carcinoma. Identifiers: Orphanet 227535, MedGen C0346153, MONDO:0016419, OMIM 114480. Disease mechanism: loss of function.

Submissions (6):

Labcorp Genetics (formerly Invitae), Labcorp
Classification: Benign for Hereditary breast ovarian cancer syndrome. Last evaluated: 2019-02-07. Review status: criteria provided, single submitter. Criteria: Invitae Variant Classification Sherloc (09022015). Collection method: clinical testing. Allele origin: germline.

Breast Cancer Information Core (BIC) (BRCA2)
Classification: Uncertain significance for Breast-ovarian cancer, familial 2. Last evaluated: 2003-12-23. Review status: no assertion criteria provided. Collection method: clinical testing. Allele origin: germline. Affected: yes. Observed: 1 variant allele. Not counted in ClinVar's aggregate classification.

Faculté Pluridciplinaire Nador, Université Mohamed Premier
Classification: Tier IV - Benign/Likely benign for Malignant tumor of urinary bladder. Review status: no assertion criteria provided. Collection method: research. Allele origin: somatic. Affected: yes.
Comment: The following databases and algorithms are used to annotate and evaluate the impact of the variant in the context of human disease: 1000 genomes, gnomAD, ClinVar, OMIM, dbSNP, NCIB RefSeq Genes, ExAC Gene Constraints, VS-SIFT, VS-PolyPhen2, PhyloP, GERP++, GeneSplicer, MaxEntScan, NNSplice, PWM Splice Predictor.

Faculté Pluridciplinaire Nador, Université Mohamed Premier
Classification: Tier IV - Benign/Likely benign for Familial cancer of breast. Review status: no assertion criteria provided. Collection method: research. Allele origin: somatic. Affected: yes.
Comment: the same text as in the submission from Faculté Pluridciplinaire Nador, Université Mohamed Premier above.

Faculté Pluridciplinaire Nador, Université Mohamed Premier
Classification: Tier IV - Benign/Likely benign for Spindle cell sarcoma. Review status: no assertion criteria provided. Collection method: research. Allele origin: somatic. Affected: yes.
Comment: the same text as in the submission from Faculté Pluridciplinaire Nador, Université Mohamed Premier above.

Faculté Pluridciplinaire Nador, Université Mohamed Premier
Classification: Tier IV - Benign/Likely benign for Lung cancer. Review status: no assertion criteria provided. Collection method: research. Allele origin: somatic. Affected: yes.
Comment: the same text as in the submission from Faculté Pluridciplinaire Nador, Université Mohamed Premier above.